The following is an entry in ClinVar:

ClinVar aggregate classification (germline): Uncertain significance (1 of 4 stars; one submission).

Submission:

GeneDx
Classification: Uncertain significance. Last evaluated: 2024-12-03. Review status: criteria provided, single submitter. Criteria: GeneDx Variant Classification Process June 2021. Collection method: clinical testing. Allele origin: germline. Affected: yes.
Comment: Not observed at significant frequency in large population cohorts (gnomAD); Frameshift variant predicted to result in protein truncation or nonsense mediated decay in a gene or region of a gene for which loss of function is not a well-established mechanism of disease; Has not been previously published as pathogenic or benign to our knowledge; Variants in candidate genes are classified as variants of uncertain significance in accordance with ACMG guidelines (PMID: 25741868)

NM_003086.4(SNAPC4):c.1791_1794del (p.Leu598fs)

Gene: SNAPC4 (small nuclear RNA activating complex polypeptide 4; minus strand). Cytogenetic location: 9q34.3.
Variant type: Microsatellite.
Coding change: c.1791_1794del on transcript NM_003086.4 (MANE Select); coding-DNA positions 1791 to 1794, 4 bases deleted (CCTC; older notation c.1791_1794delCCTC).
Protein change: p.Leu598fs; shifts the reading frame from leucine 598.
Molecular consequence: frameshift variant.
Genome position (GRCh38, 1-based): chr9:136,383,375-136,383,378, GAGG deleted on the plus strand (CCTC on the coding strand, the reverse complement: SNAPC4 is on the minus strand); deleting any 4 consecutive bases within chr9:136,383,375-136,383,382 gives the same sequence; the c. name uses the placement nearest the transcript's 3' end. VCF-style (leftmost placement, unchanged base first): chr9-136383374-TGAGG-T. GRCh37 (hg19) VCF-style: chr9-139277826-TGAGG-T.
Other names: c.1791_1794del, p.Leu598fs (NM_001394201.1, NM_001394202.1, NM_001394203.1); short protein forms L598fs.
Identifiers: ClinVar variation 4530846 (VCV004530846.1).